The following is an entry in ClinVar:

NM_000051.4(ATM):c.8787-19A>T

Genes: ATM (ATM serine/threonine kinase; plus strand), C11orf65 (chromosome 11 open reading frame 65; minus strand). Cytogenetic location: 11q22.3.
Variant type: single nucleotide variant.
Coding change: c.8787-19A>T on transcript NM_000051.4 (MANE Select); 19 bases into the intron before coding-DNA position 8787, A replaced by T.
Molecular consequence: intron variant.
Genome position (GRCh38, 1-based): chr11:108,354,792, A>T. VCF-style: chr11-108354792-A-T. GRCh37 (hg19) VCF-style: chr11-108225519-A-T.
Other names: c.8787-19A>T (NM_001351834.2); c.640+31128T>A (NM_001330368.2); c.695-19500T>A (NM_001351110.2).
Identifiers: ClinVar variation 3254152 (VCV003254152.1), dbSNP rs1555143457.

ClinVar aggregate classification (germline): Likely benign (1 of 4 stars; one submission).

Conditions:
Familial cancer of breast. Also called: hereditary breast carcinoma; BREAST CANCER, FAMILIAL; Hereditary breast cancer. Identifiers: Orphanet 227535, MedGen C0346153, MONDO:0016419, OMIM 114480. Disease mechanism: loss of function.

Submission:

Myriad Genetics, Inc.
Classification: Likely benign for Familial cancer of breast. Last evaluated: 2024-06-20. Review status: criteria provided, single submitter. Criteria: Myriad Autosomal Dominant, Autosomal Recessive and X-Linked Classification Criteria (2023). Collection method: clinical testing. Allele origin: unknown.
Comment: This variant is considered likely benign. This variant is intronic and is not expected to impact mRNA splicing.